The following is an entry in ClinVar:

NM_001374736.1(DST):c.3569G>C (p.Trp1190Ser)

Gene: DST (dystonin; minus strand). Cytogenetic location: 6p12.1.
Variant type: single nucleotide variant.
Coding change: c.3569G>C on transcript NM_001374736.1 (MANE Select); coding-DNA position 3569, G replaced by C.
Protein change: p.Trp1190Ser; replaces tryptophan 1190 with serine.
Molecular consequence: missense variant.
Genome position (GRCh38, 1-based): chr6:56,634,184, C>G on the plus strand (G>C on the coding strand, the complement: DST is on the minus strand). VCF-style: chr6-56634184-C-G. GRCh37 (hg19) VCF-style: chr6-56498982-C-G.
Other names: c.3470G>C, p.Trp1157Ser (NM_001144769.5); c.3056G>C, p.Trp1019Ser (NM_001144770.2); c.3569G>C, p.Trp1190Ser (NM_001374722.1); c.2936G>C, p.Trp979Ser (NM_001374729.1, NM_001374730.1, NM_001386100.1 and 1 more transcripts); c.3596G>C, p.Trp1199Ser (NM_001374734.1); c.1958G>C, p.Trp653Ser (NM_001723.7, NM_015548.5); short protein forms W1019S, W1157S, W1190S, W1199S, W653S, W979S.
Identifiers: ClinVar variation 1009807 (VCV001009807.9), dbSNP rs2098807192, ClinGen allele CA364575636.

ClinVar aggregate classification (germline): Uncertain significance (1 of 4 stars; one submission).

Conditions:
Epidermolysis bullosa simplex 3, localized or generalized intermediate, with BP230 deficiency (EBS3). Also called: Epidermolysis bullosa simplex due to BP230 deficiency; Epidermolysis bullosa simplex, autosomal recessive 2. Identifiers: Orphanet 412181, MedGen C3809470, MONDO:0014180, OMIM 615425.
Hereditary sensory and autonomic neuropathy type 6. Also called: HSAN VI; Neuropathy, hereditary sensory and autonomic, type VI. Identifiers: Orphanet 314381, MedGen C3539003, MONDO:0013839, OMIM 614653.

Allele frequency attached by ClinVar (database versions not stated): gnomAD exomes below 0.00001.
gnomAD v4.1: 1 of 1,613,570 alleles (0.000062%); highest among the groups gnomAD compares: Non-Finnish European, 0.000085%; no homozygotes.

Submission:

Labcorp Genetics (formerly Invitae), Labcorp
Classification: Uncertain significance for Epidermolysis bullosa simplex 3, localized or generalized intermediate, with BP230 deficiency; Hereditary sensory and autonomic neuropathy type 6. Last evaluated: 2020-06-16. Review status: criteria provided, single submitter. Criteria: Invitae Variant Classification Sherloc (09022015). Collection method: clinical testing. Allele origin: germline.
Comment: In summary, the available evidence is currently insufficient to determine the role of this variant in disease. Therefore, it has been classified as a Variant of Uncertain Significance. Algorithms developed to predict the effect of missense changes on protein structure and function (SIFT, PolyPhen-2, Align-GVGD) all suggest that this variant is likely to be disruptive, but these predictions have not been confirmed by published functional studies and their clinical significance is uncertain. This variant has not been reported in the literature in individuals with DST-related conditions. This variant is not present in population databases (ExAC no frequency). This sequence change replaces tryptophan with serine at codon 653 of the DST protein (p.Trp653Ser). The tryptophan residue is highly conserved and there is a large physicochemical difference between tryptophan and serine.